The following is an entry in ClinVar:

ClinVar aggregate classification (germline): Pathogenic. Review status: criteria provided, multiple submitters, no conflicts (2 of 4 stars). 5 submissions from 5 submitters: Pathogenic (5). Last evaluated 2025-07-21.

Conditions:
GLUT1 deficiency syndrome 1, autosomal recessive. Identifiers: MedGen C3149117.
Childhood onset GLUT1 deficiency syndrome 2. Also called: PxMD-SLC2A1; Paroxysmal exercise-induced dystonia; GLUT1 deficiency syndrome 2; PAROXYSMAL EXERCISE-INDUCED DYSKINESIA WITH OR WITHOUT EPILEPSY AND/OR HEMOLYTIC ANEMIA; PAROXYSMAL EXERTION-INDUCED DYSTONIA WITH OR WITHOUT EPILEPSY AND/OR HEMOLYTIC ANEMIA; PED WITH OR WITHOUT EPILEPSY AND/OR HEMOLYTIC ANEMIA. Identifiers: Orphanet 98811, MedGen C1842534, MONDO:0012805, OMIM 612126.
Encephalopathy due to GLUT1 deficiency. Also called: GLUT1 deficiency syndrome 1, infantile onset, severe; De Vivo disease; GLUT1 deficiency syndrome 1; Classic Glucose Transporter Type 1 Deficiency Syndrome; GLUCOSE TRANSPORT DEFECT, BLOOD-BRAIN BARRIER; Glucose transporter protein syndrome. Identifiers: Orphanet 71277, MedGen C4551966, MONDO:0011724, OMIM 606777.
Inborn genetic diseases. Identifiers: MedGen C0950123, MeSH D030342.

Submissions (5):

Ambry Genetics
Classification: Pathogenic for Inborn genetic diseases. Last evaluated: 2025-07-21. Review status: criteria provided, single submitter. Criteria: Ambry Variant Classification Scheme 2023. Collection method: clinical testing. Allele origin: germline.
Comment: The c.493G>A (p.V165I) alteration is located in exon 4 (coding exon 4) of the SLC2A1 gene. This alteration results from a G to A substitution at nucleotide position 493, causing the valine (V) at amino acid position 165 to be replaced by an isoleucine (I). This variant was not reported in population-based cohorts in the Genome Aggregation Database (gnomAD). This variant was determined to be de novo in at least one individual with features consistent with GLUT1 deficiency syndrome and segregated with disease in at least one family (Urbizu, 2010; Bovi, 2011; De Giorgis, 2015; Mauri, 2022; Haviland, 2023). This amino acid position is highly conserved in available vertebrate species. This missense alteration is located in a region that has a low rate of benign missense variation (Lek, 2016; Firth, 2009). In an assay testing SLC2A1 function, this variant showed a functionally abnormal result (Mueckler, 1997; Mueckler, 1994). The in silico prediction for this alteration is inconclusive. Based on the available evidence, this alteration is classified as pathogenic.

Labcorp Genetics (formerly Invitae), Labcorp
Classification: Pathogenic for GLUT1 deficiency syndrome 1, autosomal recessive. Last evaluated: 2024-10-29. Review status: criteria provided, single submitter. Criteria: Invitae Variant Classification Sherloc (09022015). Collection method: clinical testing. Allele origin: germline.
Comment: This sequence change replaces valine, which is neutral and non-polar, with isoleucine, which is neutral and non-polar, at codon 165 of the SLC2A1 protein (p.Val165Ile). This variant is not present in population databases (gnomAD no frequency). This missense change has been observed in individual(s) with SLC2A1-related conditions (PMID: 20621801, 21530357, 25564316). In at least one individual the variant was observed to be de novo. ClinVar contains an entry for this variant (Variation ID: 379258). Invitae Evidence Modeling of protein sequence and biophysical properties (such as structural, functional, and spatial information, amino acid conservation, physicochemical variation, residue mobility, and thermodynamic stability) indicates that this missense variant is expected to disrupt SLC2A1 protein function with a positive predictive value of 95%. For these reasons, this variant has been classified as Pathogenic.

Genome-Nilou Lab
Classification: Pathogenic for Encephalopathy due to GLUT1 deficiency. Last evaluated: 2023-04-11. Review status: criteria provided, single submitter. Criteria: ACMG Guidelines, 2015. Collection method: clinical testing. Allele origin: germline. Affected: no.

GeneDx
Classification: Pathogenic. Last evaluated: 2022-10-24. Review status: criteria provided, single submitter. Criteria: GeneDx Variant Classification Process June 2021. Collection method: clinical testing. Allele origin: germline. Affected: yes.
Comment: Published functional studies demonstrate a damaging effect, as V165I impairs glucose transport activity compared to wildtype (Mueckler et al., 1994); Not observed at significant frequency in large population cohorts (gnomAD); In silico analysis supports that this missense variant does not alter protein structure/function; This variant is associated with the following publications: (PMID: 9374494, 24847886, 25022942, 25564316, 25099510, 28717674, 8027028, 21530357, 20621801, 28459125)

Institute of Human Genetics Munich, TUM University Hospital
Classification: Pathogenic for Childhood onset GLUT1 deficiency syndrome 2. Last evaluated: 2022-07-14. Review status: criteria provided, single submitter. Criteria: Classification criteria August 2017. Collection method: clinical testing. Allele origin: de novo. Inheritance: Autosomal dominant inheritance. Affected: yes. Observed: 1 variant allele.

Literature cited by the submitters: PubMed 8027028 (cited by Ambry Genetics); PubMed 9374494 (cited by Ambry Genetics); PubMed 20621801 (cited by Ambry Genetics and Labcorp Genetics (formerly Invitae), Labcorp); PubMed 21530357 (cited by Ambry Genetics and Labcorp Genetics (formerly Invitae), Labcorp); PubMed 25564316 (cited by Ambry Genetics and Labcorp Genetics (formerly Invitae), Labcorp); PubMed 28116237 (cited by Ambry Genetics); PubMed 30895386 (cited by Ambry Genetics); PubMed 36153584 (cited by Ambry Genetics); PubMed 36362347 (cited by Ambry Genetics); PubMed 36403551 (cited by Ambry Genetics); PubMed 37293674 (cited by Ambry Genetics); PubMed 38914025 (cited by Ambry Genetics).

NM_006516.4(SLC2A1):c.493G>A (p.Val165Ile)

Gene: SLC2A1 (solute carrier family 2 member 1; minus strand). Cytogenetic location: 1p34.2.
Variant type: single nucleotide variant.
Coding change: c.493G>A on transcript NM_006516.4 (MANE Select); coding-DNA position 493, G replaced by A.
Protein change: p.Val165Ile; replaces valine 165 with isoleucine.
Molecular consequence: missense variant.
Genome position (GRCh38, 1-based): chr1:42,930,649, C>T on the plus strand (G>A on the coding strand, the complement: SLC2A1 is on the minus strand). VCF-style: chr1-42930649-C-T. GRCh37 (hg19) VCF-style: chr1-43396320-C-T.
Other names: short protein forms V165I.
Identifiers: ClinVar variation 379258 (VCV000379258.12), dbSNP rs1057520545, ClinGen allele CA16603717.